The following is an entry in ClinVar:

ClinVar aggregate classification (germline): Likely benign. Review status: criteria provided, single submitter (1 of 4 stars). 2 submissions from 2 submitters: Likely benign (1). 1 of the submissions does not count toward it. Last evaluated 2025-12-18.

Conditions:
XPO5-related disorder. Also called: XPO5-related condition.

Allele frequency attached by ClinVar (database versions not stated): 1000 Genomes Project 30x 0.00078; ExAC 0.00033; ESP Exome Variant Server 0.00059; gnomAD 0.00080; TOPMed 0.00082; gnomAD exomes 0.00009; 1000 Genomes Project 0.00080.
gnomAD v4.1: 259 of 1,611,978 alleles (0.016%); highest among the groups gnomAD compares: African/African-American, 0.27%; no homozygotes.

Submissions (2):

Labcorp Genetics (formerly Invitae), Labcorp
Classification: Likely benign. Last evaluated: 2025-12-18. Review status: criteria provided, single submitter. Criteria: Invitae Variant Classification Sherloc (09022015). Collection method: clinical testing. Allele origin: germline.

PreventionGenetics, part of Exact Sciences
Classification: Likely benign for XPO5-related condition. Last evaluated: 2022-05-10. Review status: no assertion criteria provided. Collection method: clinical testing. Allele origin: germline. Not counted in ClinVar's aggregate classification.
Comment: This variant is classified as likely benign based on ACMG/AMP sequence variant interpretation guidelines (Richards et al. 2015 PMID: 25741868, with internal and published modifications).

NM_020750.3(XPO5):c.1157G>A (p.Arg386His)

Genes: POLR1C (RNA polymerase I and III subunit C; plus strand), XPO5 (exportin 5; minus strand). Cytogenetic location: 6p21.1.
Variant type: single nucleotide variant.
Coding change: c.1157G>A on transcript NM_020750.3 (MANE Select); coding-DNA position 1157, G replaced by A.
Protein change: p.Arg386His; replaces arginine 386 with histidine.
Molecular consequence: missense variant. On other transcripts: non-coding transcript variant (1), intron variant (1).
Genome position (GRCh38, 1-based): chr6:43,560,242, C>T on the plus strand (G>A on the coding strand, the complement: XPO5 is on the minus strand). VCF-style: chr6-43560242-C-T. GRCh37 (hg19) VCF-style: chr6-43527979-C-T.
Other names: c.*43-1158C>T (NM_001363658.2); short protein forms R386H.
Identifiers: ClinVar variation 2075317 (VCV002075317.5), dbSNP rs61762965, ClinGen allele CA3826499.